The following is an entry in ClinVar:

ClinVar aggregate classification (germline): Pathogenic (1 of 4 stars; one submission).

Submission:

Labcorp Genetics (formerly Invitae), Labcorp
Classification: Pathogenic. Last evaluated: 2025-10-21. Review status: criteria provided, single submitter. Criteria: Invitae Variant Classification Sherloc (09022015). Collection method: clinical testing. Allele origin: germline.
Comment: This sequence change creates a premature translational stop signal (p.Met137Serfs*8) in the COQ9 gene. It is expected to result in an absent or disrupted protein product. Loss-of-function variants in COQ9 are known to be pathogenic (PMID: 19375058, 26081641). This variant is not present in population databases (gnomAD no frequency). This variant has not been reported in the literature in individuals affected with COQ9-related conditions. ClinVar contains an entry for this variant (Variation ID: 3700330). For these reasons, this variant has been classified as Pathogenic.

Literature cited by the submitters: PubMed 19375058; PubMed 26081641.

NM_020312.4(COQ9):c.409_412del (p.Met137fs)

Gene: COQ9 (coenzyme Q9; plus strand). Cytogenetic location: 16q21.
Variant type: Deletion.
Coding change: c.409_412del on transcript NM_020312.4 (MANE Select); coding-DNA positions 409 to 412, 4 bases deleted (ATGT; older notation c.409_412delATGT).
Protein change: p.Met137fs; shifts the reading frame from methionine 137.
Molecular consequence: frameshift variant.
Genome position (GRCh38, 1-based): chr16:57,456,534-57,456,537, ATGT deleted. VCF-style (leftmost placement, unchanged base first): chr16-57456533-CATGT-C. GRCh37 (hg19) VCF-style: chr16-57490445-CATGT-C.
Other names: short protein forms M137fs.
Identifiers: ClinVar variation 3700330 (VCV003700330.2).
Genomic context (GRCh38, chr16:57,456,533, plus strand): 5'-GCTTTTCTGTTTTCTGTCTCCCCTTTTGTAGTCTCTGGGTCTCTCCAGTGCAGCAGCCAG[CATGT>C]TCGGGAAGGATGGCAGTGAGCTAATACTGCATTTTGTGACCCAGTGCAATACCCGGCTCA-3'